The following is an entry in ClinVar:

NM_000379.4(XDH):c.953A>T (p.Lys318Met)

Gene: XDH (xanthine dehydrogenase; minus strand). Cytogenetic location: 2p23.1.
Variant type: single nucleotide variant.
Coding change: c.953A>T on transcript NM_000379.4 (MANE Select); coding-DNA position 953, A replaced by T.
Protein change: p.Lys318Met; replaces lysine 318 with methionine.
Molecular consequence: missense variant.
Genome position (GRCh38, 1-based): chr2:31,383,086, T>A on the plus strand (A>T on the coding strand, the complement: XDH is on the minus strand). VCF-style: chr2-31383086-T-A. GRCh37 (hg19) VCF-style: chr2-31605952-T-A.
Other names: short protein forms K318M.
Identifiers: ClinVar variation 2085148 (VCV002085148.4), dbSNP rs1482311589, ClinGen allele CA346509027.

ClinVar aggregate classification (germline): Uncertain significance (1 of 4 stars; one submission).

Conditions:
Xanthinuria type II. Also called: Xanthine dehydrogenase and aldehyde oxidase combined deficiency of; XDH and AOX dual deficiency. Identifiers: Orphanet 3467, Orphanet 93602, MedGen C1863688, MONDO:0011346, OMIM 603592.

Allele frequency attached by ClinVar (database versions not stated): gnomAD exomes below 0.00001; TOPMed 0.00001.
gnomAD v4.1: 2 of 1,614,174 alleles (0.00012%); highest among the groups gnomAD compares: Admixed American, 0.0033%; no homozygotes.

Submission:

Labcorp Genetics (formerly Invitae), Labcorp
Classification: Uncertain significance for Xanthinuria type II. Last evaluated: 2022-08-20. Review status: criteria provided, single submitter. Criteria: Invitae Variant Classification Sherloc (09022015). Collection method: clinical testing. Allele origin: germline.
Comment: In summary, the available evidence is currently insufficient to determine the role of this variant in disease. Therefore, it has been classified as a Variant of Uncertain Significance. Algorithms developed to predict the effect of missense changes on protein structure and function are either unavailable or do not agree on the potential impact of this missense change (SIFT: "Tolerated"; PolyPhen-2: "Possibly Damaging"; Align-GVGD: "Class C0"). This variant has not been reported in the literature in individuals affected with XDH-related conditions. This variant is present in population databases (no rsID available, gnomAD 0.006%). This sequence change replaces lysine, which is basic and polar, with methionine, which is neutral and non-polar, at codon 318 of the XDH protein (p.Lys318Met).